The following is an entry in ClinVar:

NM_000090.4(COL3A1):c.1923+3A>G

Gene: COL3A1 (collagen type III alpha 1 chain; plus strand). Cytogenetic location: 2q32.2.
Variant type: single nucleotide variant.
Coding change: c.1923+3A>G on transcript NM_000090.4 (MANE Select); 3 bases into the intron after coding-DNA position 1923, A replaced by G.
Molecular consequence: intron variant.
Genome position (GRCh38, 1-based): chr2:188,997,756, A>G. VCF-style: chr2-188997756-A-G. GRCh37 (hg19) VCF-style: chr2-189862482-A-G.
Identifiers: ClinVar variation 921887 (VCV000921887.4), dbSNP rs1214796107, ClinGen allele CA538441392.

ClinVar aggregate classification (germline): Uncertain significance. Review status: criteria provided, multiple submitters, no conflicts (2 of 4 stars). 2 submissions from 2 submitters: Uncertain significance (2). Last evaluated 2026-07-14.

Conditions:
Familial thoracic aortic aneurysm and aortic dissection (TAAD). Also called: Thoracic aortic aneurysms and dissections. Identifiers: Orphanet 91387, MedGen C4707243, MONDO:0019625.

Allele frequency attached by ClinVar (database versions not stated): gnomAD exomes below 0.00001.
gnomAD v4.1: 2 of 1,613,424 alleles (0.00012%); highest among the groups gnomAD compares: Non-Finnish European, 0.00017%; no homozygotes.

Submissions (2):

Ambry Genetics
Classification: Uncertain significance for Familial thoracic aortic aneurysm and aortic dissection. Last evaluated: 2026-07-14. Review status: criteria provided, single submitter. Criteria: Ambry Variant Classification Scheme 2023. Collection method: clinical testing. Allele origin: germline.
Comment: The c.1923+3A>G intronic variant results from an A to G substitution 3 nucleotides after coding exon 27 in the COL3A1 gene. This nucleotide position is well conserved in available vertebrate species. In silico splice site analysis predicts that this alteration will not have any significant effect on splicing. Based on the available evidence, the clinical significance of this variant remains unclear.

Color Diagnostics, LLC DBA Color Health
Classification: Uncertain significance for Familial thoracic aortic aneurysm and aortic dissection. Last evaluated: 2019-06-13. Review status: criteria provided, single submitter. Criteria: ACMG Guidelines, 2015. Collection method: clinical testing. Allele origin: germline.
Comment: This variant is located in the intron 27 splice donor region of the COL3A1 gene. Computational splicing tools and conservation analyses are inconclusive regarding the impact of this variant on RNA splicing. To our knowledge, functional assays have not been performed for this variant nor has this variant been reported in individuals affected with cardiovascular disorders in the literature. This variant has been identified in 1/251008 chromosomes in the general population by the Genome Aggregation Database (gnomAD). Available evidence is insufficient to determine the role of this variant in disease conclusively. Therefore, this variant is classified as a Variant of Uncertain Significance.